The following is an entry in ClinVar:

NM_000143.4(FH):c.909_910del (p.Leu303fs)

Gene: FH (fumarate hydratase; minus strand). Cytogenetic location: 1q43.
Variant type: Deletion.
Coding change: c.909_910del on transcript NM_000143.4 (MANE Select); coding-DNA positions 909 to 910, 2 bases deleted (GC; older notation c.909_910delGC).
Protein change: p.Leu303fs; shifts the reading frame from leucine 303.
Molecular consequence: frameshift variant.
Genome position (GRCh38, 1-based): chr1:241,504,240-241,504,241, GC deleted on the plus strand (GC on the coding strand, the reverse complement: FH is on the minus strand). VCF-style (leftmost placement, unchanged base first): chr1-241504239-GGC-G. GRCh37 (hg19) VCF-style: chr1-241667539-GGC-G.
Other names: short protein forms L303fs.
Identifiers: ClinVar variation 1457983 (VCV001457983.8), dbSNP rs2147916393, ClinGen allele CA2573132927.
Genomic context (GRCh38, chr1:241,504,239, plus strand): 5'-AGCTCAACCAGAGCGTCATGAGCAGCCAGAGCTTCAAATTTATTCGGAGCAGTGACAAAA[GGC>G]AAGCCTAAAGAAAAGAAAAATATCCTAGATGGGTGAACAAGTTAAACTAAACATTTTTCT-3'

ClinVar aggregate classification (germline): Pathogenic (1 of 4 stars; one submission).

Submission:

Labcorp Genetics (formerly Invitae), Labcorp
Classification: Pathogenic. Last evaluated: 2021-05-19. Review status: criteria provided, single submitter. Criteria: Invitae Variant Classification Sherloc (09022015). Collection method: clinical testing. Allele origin: germline.
Comment: This variant is not present in population databases (ExAC no frequency). This sequence change creates a premature translational stop signal (p.Leu303Phefs*8) in the FH gene. It is expected to result in an absent or disrupted protein product. Loss-of-function variants in FH are known to be pathogenic (PMID: 11865300, 21398687). This variant has been observed in individual(s) with clinical features of hereditary leiomyomatosis and renal cell cancer (HLRCC) syndrome (PMID: 12772087). It has also been observed to segregate with disease in related individuals. This variant is also known as delGC @ 780 (L260>STOP). For these reasons, this variant has been classified as Pathogenic.

Literature cited by the submitters: PubMed 11865300; PubMed 21398687; PubMed 12772087.